The following is an entry in ClinVar:

NM_031443.4(CCM2):c.916-3C>T

Gene: CCM2 (CCM2 scaffold protein; plus strand). Cytogenetic location: 7p13.
Variant type: single nucleotide variant.
Coding change: c.916-3C>T on transcript NM_031443.4 (MANE Select); 3 bases into the intron before coding-DNA position 916, C replaced by T.
Molecular consequence: intron variant.
Genome position (GRCh38, 1-based): chr7:45,074,267, C>T. VCF-style: chr7-45074267-C-T. GRCh37 (hg19) VCF-style: chr7-45113866-C-T.
Other names: c.1039-3C>T (NM_001363458.2); c.643-3C>T (NM_001167935.2); c.865-3C>T (NM_001363459.2); c.742-3C>T (NM_001167934.2); c.979-3C>T (NM_001029835.2).
Identifiers: ClinVar variation 729777 (VCV000729777.10), dbSNP rs373072247, ClinGen allele CA4247210.
Genomic context (GRCh38, chr7:45,074,267, plus strand): 5'-GGGCCCGACTGCCGACTCTTGCCTACTGTGCCCAGCCCCCTATCTGGCTCTGCTCTCTTG[C>T]AGCTGCGCACCAAGCTGTCATCACAGGAGATCCAGCAGTTTGCAGCACTGCTGCACGAGT-3'

ClinVar aggregate classification (germline): Likely benign. Review status: criteria provided, multiple submitters, no conflicts (2 of 4 stars). 2 submissions from 2 submitters: Likely benign (2). Last evaluated 2025-11-19.

Conditions:
Cerebral cavernous malformation 2. Also called: Familial Cerebral Cavernous Malformation 2. Identifiers: Orphanet 221061, MedGen C1864041, MONDO:0011304, OMIM 603284.

Allele frequency attached by ClinVar (database versions not stated): TOPMed 0.00031; ESP Exome Variant Server 0.00038; 1000 Genomes Project 0.00100; 1000 Genomes Project 30x 0.00125.
gnomAD v4.1: 92 of 1,613,532 alleles (0.0057%); highest among the groups gnomAD compares: African/African-American, 0.099%; no homozygotes.

Submissions (3):

Labcorp Genetics (formerly Invitae), Labcorp
Classification: Likely benign for Cerebral cavernous malformation 2. Last evaluated: 2025-11-19. Review status: criteria provided, single submitter. Criteria: Invitae Variant Classification Sherloc (09022015). Collection method: clinical testing. Allele origin: germline.

Women's Health and Genetics/Laboratory Corporation of America, LabCorp
Classification: Likely benign. Last evaluated: 2024-07-08. Review status: criteria provided, single submitter. Criteria: LabCorp Variant Classification Summary - May 2015. Collection method: clinical testing. Allele origin: germline.
Comment: Variant summary: CCM2 c.916-3C>T alters a non-conserved nucleotide located close to a canonical splice site and therefore could affect mRNA splicing, leading to a significantly altered protein sequence. Consensus agreement among computation tools predict no significant impact on normal splicing. However, these predictions have yet to be confirmed by functional studies. The variant allele was found at a frequency of 0.0001 in 250694 control chromosomes, predominantly at a frequency of 0.0012 within the African or African-American subpopulation in the gnomAD database. The observed variant frequency within African or African-American control individuals in the gnomAD database exceeds the estimated maximal expected allele frequency for a pathogenic variant in CCM2 causing Cerebral Cavernous Malformation 2 phenotype. To our knowledge, no occurrence of c.916-3C>T in individuals affected with Cerebral Cavernous Malformation 2 and no experimental evidence demonstrating its impact on protein function have been reported. ClinVar contains an entry for this variant (Variation ID: 729777). Based on the evidence outlined above, the variant was classified as likely benign.

Dr. Peter K. Rogan Lab, Western University
No classification provided (evidence only). Condition: Ovarian serous cystadenocarcinoma. Review status: no classification provided. Collection method: in vitro. Allele origin: not applicable. Functional consequence: retained intron. Not counted in ClinVar's aggregate classification.